The following is an entry in ClinVar:

NM_000260.4(MYO7A):c.5909C>T (p.Thr1970Ile)

Gene: MYO7A (myosin VIIA; plus strand). Cytogenetic location: 11q13.5.
Variant type: single nucleotide variant.
Coding change: c.5909C>T on transcript NM_000260.4 (MANE Select); coding-DNA position 5909, C replaced by T.
Protein change: p.Thr1970Ile; replaces threonine 1970 with isoleucine.
Molecular consequence: missense variant.
Genome position (GRCh38, 1-based): chr11:77,208,482, C>T. VCF-style: chr11-77208482-C-T. GRCh37 (hg19) VCF-style: chr11-76919527-C-T.
Other names: c.5795C>T, p.Thr1932Ile (NM_001127180.2); c.5762C>T, p.Thr1921Ile (NM_001369365.1); c.5909C>T (NM_000260.3); short protein forms T1970I, T1921I, T1932I.
Identifiers: ClinVar variation 2168307 (VCV002168307.2), dbSNP rs1224595771, ClinGen allele CA381932737.

ClinVar aggregate classification (germline): Uncertain significance. Review status: criteria provided, multiple submitters, no conflicts (2 of 4 stars). 2 submissions from 2 submitters: Uncertain significance (2). Last evaluated 2025-07-03.

Conditions:
Inborn genetic diseases. Identifiers: MedGen C0950123, MeSH D030342.

Allele frequency attached by ClinVar (database versions not stated): gnomAD exomes below 0.00001; gnomAD 0.00001.
gnomAD v4.1: 5 of 1,613,652 alleles (0.00031%); highest among the groups gnomAD compares: South Asian, 0.0011%; no homozygotes.

Submissions (2):

Ambry Genetics
Classification: Uncertain significance for Inborn genetic diseases. Last evaluated: 2025-07-03. Review status: criteria provided, single submitter. Criteria: Ambry Variant Classification Scheme 2023. Collection method: clinical testing. Allele origin: germline.

Labcorp Genetics (formerly Invitae), Labcorp
Classification: Uncertain significance. Last evaluated: 2022-07-30. Review status: criteria provided, single submitter. Criteria: Invitae Variant Classification Sherloc (09022015). Collection method: clinical testing. Allele origin: germline.
Comment: This sequence change replaces threonine, which is neutral and polar, with isoleucine, which is neutral and non-polar, at codon 1970 of the MYO7A protein (p.Thr1970Ile). This variant is present in population databases (no rsID available, gnomAD 0.003%). This variant has not been reported in the literature in individuals affected with MYO7A-related conditions. Advanced modeling of protein sequence and biophysical properties (such as structural, functional, and spatial information, amino acid conservation, physicochemical variation, residue mobility, and thermodynamic stability) performed at Invitae indicates that this missense variant is not expected to disrupt MYO7A protein function. Algorithms developed to predict the effect of sequence changes on RNA splicing suggest that this variant may disrupt the consensus splice site. In summary, the available evidence is currently insufficient to determine the role of this variant in disease. Therefore, it has been classified as a Variant of Uncertain Significance.